The following is an entry in ClinVar:

ClinVar aggregate classification (germline): Likely benign. Review status: criteria provided, multiple submitters, no conflicts (2 of 4 stars). 5 submissions from 5 submitters: Likely benign (4). 1 of the submissions does not count toward it. Last evaluated 2026-08-01.

Conditions:
RYR3-related disorder. Also called: RYR3-related condition.
Epileptic encephalopathy. Identifiers: MedGen C0543888, HP:0200134.
Flexion contracture. Also called: Contracture; Contractures; Flexion deformity. Identifiers: MedGen C0333068, HP:0001371.

Allele frequency attached by ClinVar (database versions not stated): 1000 Genomes Project 30x 0.00016; 1000 Genomes Project 0.00020; ESP Exome Variant Server 0.00100; gnomAD exomes 0.00114 and 0.00135; ExAC 0.00117; gnomAD 0.00124 and 0.00128; TOPMed 0.00147.
gnomAD v4.1: 2,133 of 1,613,902 alleles (0.13%); highest among the groups gnomAD compares: Admixed American, 0.28%; 2 homozygotes.

Submissions (5):

CeGaT Center for Human Genetics Tuebingen
Classification: Likely benign. Last evaluated: 2026-08-01. Review status: criteria provided, single submitter. Criteria: CeGaT Center For Human Genetics Tuebingen Variant Classification Criteria Version 2. Collection method: clinical testing. Allele origin: germline. Affected: yes. Observed: 2 variant alleles.
Comment: RYR3: BS2

PreventionGenetics, part of Exact Sciences
Classification: Likely benign for RYR3-related condition. Last evaluated: 2025-05-31. Review status: criteria provided, single submitter. Criteria: ACMG Guidelines, 2015. Collection method: clinical testing. Allele origin: germline.
Comment: This variant is classified as likely benign based on ACMG/AMP sequence variant interpretation guidelines (Richards et al. 2015 PMID: 25741868, with internal and published modifications).

Labcorp Genetics (formerly Invitae), Labcorp
Classification: Likely benign for Epileptic encephalopathy. Last evaluated: 2024-10-28. Review status: criteria provided, single submitter. Criteria: Invitae Variant Classification Sherloc (09022015). Collection method: clinical testing. Allele origin: germline.

Breakthrough Genomics
Classification: Likely benign. Review status: criteria provided, single submitter. Criteria: ACMG Guidelines, 2015. Collection method: not provided. Allele origin: germline. Inheritance: Unknown mechanism. Affected: yes.

Lupski Lab, Baylor-Hopkins CMG, Baylor College of Medicine
Classification: Uncertain significance for Flexion contracture. Review status: no assertion criteria provided. Collection method: research. Allele origin: inherited. Inheritance: Autosomal recessive inheritance. Affected: yes. Observed: 3 variant alleles, 2 heterozygotes, 1 homozygote. Not counted in ClinVar's aggregate classification.

NM_001036.6(RYR3):c.2486G>A (p.Arg829His)

Gene: RYR3 (ryanodine receptor 3; plus strand). Cytogenetic location: 15q14.
Variant type: single nucleotide variant.
Coding change: c.2486G>A on transcript NM_001036.6 (MANE Select); coding-DNA position 2486, G replaced by A.
Protein change: p.Arg829His; replaces arginine 829 with histidine.
Molecular consequence: missense variant.
Genome position (GRCh38, 1-based): chr15:33,623,935, G>A. VCF-style: chr15-33623935-G-A. GRCh37 (hg19) VCF-style: chr15-33916136-G-A.
Other names: c.2486G>A, p.Arg829His (NM_001243996.4); short protein forms R829H.
Identifiers: ClinVar variation 461891 (VCV000461891.38), dbSNP rs199500216, ClinGen allele CA7458437.